The following is an entry in ClinVar:

NM_007315.4(STAT1):c.1063A>G (p.Asn355Asp)

Gene: STAT1 (signal transducer and activator of transcription 1; minus strand). Cytogenetic location: 2q32.2.
Variant type: single nucleotide variant.
Coding change: c.1063A>G on transcript NM_007315.4 (MANE Select); coding-DNA position 1063, A replaced by G.
Protein change: p.Asn355Asp; replaces asparagine 355 with aspartic acid.
Molecular consequence: missense variant. On other transcripts: intron variant (1).
Genome position (GRCh38, 1-based): chr2:190,989,649, T>C on the plus strand (A>G on the coding strand, the complement: STAT1 is on the minus strand). VCF-style: chr2-190989649-T-C. GRCh37 (hg19) VCF-style: chr2-191854375-T-C.
Other names: c.1069A>G, p.Asn357Asp (NM_001384881.1, NM_001384884.1); c.1063A>G, p.Asn355Asp (NM_001384882.1, NM_001384886.1, NM_001384888.1 and 2 more transcripts); c.964A>G, p.Asn322Asp (NM_001384883.1); c.904A>G, p.Asn302Asp (NM_001384885.1); c.970A>G, p.Asn324Asp (NM_001384887.1); c.973A>G, p.Asn325Asp (NM_001384890.1); c.1099A>G, p.Asn367Asp (NM_001384891.1); c.1037+1579A>G (NM_001384880.1); short protein forms N355D, N302D, N322D, N324D, N325D, N357D, N367D.
Identifiers: ClinVar variation 449830 (VCV000449830.3), dbSNP rs1553495184, ClinGen allele CA349919991.

ClinVar aggregate classification (germline): Pathogenic (1 of 4 stars; one submission).

Submission:

GeneDx
Classification: Pathogenic. Last evaluated: 2020-07-29. Review status: criteria provided, single submitter. Criteria: GeneDx Variant Classification Process June 2021. Collection method: clinical testing. Allele origin: germline. Affected: yes.
Comment: In silico analyses, including protein predictors and evolutionary conservation, support a deleterious effect; Not observed in large population cohorts (Lek et al., 2016); The N355D variant in the STAT1 gene has been reported previously in the heterozygous state in two siblings with CMC, however the variant did not segregate with their third affected sibling (Toubiana et al., 2016); This variant is associated with the following publications: (PMID: 28011069, 27114460)